The following is an entry in ClinVar:

NM_001130004.2(ACTN1):c.1686C>G (p.Asp562Glu)

Gene: ACTN1 (actinin alpha 1; minus strand). Cytogenetic location: 14q24.1.
Variant type: single nucleotide variant.
Coding change: c.1686C>G on transcript NM_001130004.2 (MANE Select); coding-DNA position 1686, C replaced by G.
Protein change: p.Asp562Glu; replaces aspartic acid 562 with glutamic acid.
Molecular consequence: missense variant. On other transcripts: intron variant (5).
Genome position (GRCh38, 1-based): chr14:68,883,005, G>C on the plus strand (C>G on the coding strand, the complement: ACTN1 is on the minus strand). VCF-style: chr14-68883005-G-C. GRCh37 (hg19) VCF-style: chr14-69349722-G-C.
Other names: c.1686C>G, p.Asp562Glu (NM_001102.4, NM_001130005.2, NM_001424012.1 and 2 more transcripts); c.1710C>G, p.Asp570Glu (NM_001411035.1, NM_001424016.1); c.1491C>G, p.Asp497Glu (NM_001411036.1, NM_001424026.1, NM_001424028.1); c.1812C>G, p.Asp604Glu (NM_001424013.1); c.1773C>G, p.Asp591Glu (NM_001424015.1); c.1683C>G, p.Asp561Glu (NM_001424017.1); c.1647C>G, p.Asp549Glu (NM_001424018.1); c.1623C>G, p.Asp541Glu (NM_001424020.1, NM_001424022.1); and 3 more; short protein forms D287E, D570E, D591E, D561E, D604E, D541E, D562E, D497E.
Identifiers: ClinVar variation 4694917 (VCV004694917.1).

ClinVar aggregate classification (germline): Uncertain significance (1 of 4 stars; one submission).

gnomAD v4.1: 1 of 1,614,112 alleles (0.000062%); highest among the groups gnomAD compares: African/African-American, 0.0013%; no homozygotes.

Submission:

Labcorp Genetics (formerly Invitae), Labcorp
Classification: Uncertain significance. Last evaluated: 2025-02-06. Review status: criteria provided, single submitter. Criteria: Invitae Variant Classification Sherloc (09022015). Collection method: clinical testing. Allele origin: germline.
Comment: This sequence change replaces aspartic acid, which is acidic and polar, with glutamic acid, which is acidic and polar, at codon 562 of the ACTN1 protein (p.Asp562Glu). This variant is not present in population databases (gnomAD no frequency). This variant has not been reported in the literature in individuals affected with ACTN1-related conditions. Invitae Evidence Modeling of protein sequence and biophysical properties (such as structural, functional, and spatial information, amino acid conservation, physicochemical variation, residue mobility, and thermodynamic stability) indicates that this missense variant is not expected to disrupt ACTN1 protein function with a negative predictive value of 80%. In summary, the available evidence is currently insufficient to determine the role of this variant in disease. Therefore, it has been classified as a Variant of Uncertain Significance.